The following is an entry in ClinVar:

ClinVar aggregate classification (germline): Uncertain significance (1 of 4 stars; one submission).

Conditions:
Hereditary cancer-predisposing syndrome. Also called: Neoplastic Syndromes, Hereditary; Tumor predisposition; Hereditary neoplastic syndrome; Hereditary Cancer Syndrome. Identifiers: Orphanet 140162, MedGen C0027672, MeSH D009386, MONDO:0015356.

Submission:

Ambry Genetics
Classification: Uncertain significance for Hereditary cancer-predisposing syndrome. Last evaluated: 2023-11-14. Review status: criteria provided, single submitter. Criteria: Ambry Variant Classification Scheme 2023. Collection method: clinical testing. Allele origin: germline.
Comment: The p.R459P variant (also known as c.1376G>C), located in coding exon 10 of the PTCH1 gene, results from a G to C substitution at nucleotide position 1376. The arginine at codon 459 is replaced by proline, an amino acid with dissimilar properties. This amino acid position is conserved. In addition, this alteration is predicted to be deleterious by in silico analysis. Since supporting evidence is limited at this time, the clinical significance of this alteration remains unclear.

NM_000264.5(PTCH1):c.1376G>C (p.Arg459Pro)

Gene: PTCH1 (patched 1; minus strand). Cytogenetic location: 9q22.32.
Variant type: single nucleotide variant.
Coding change: c.1376G>C on transcript NM_000264.5 (MANE Select); coding-DNA position 1376, G replaced by C.
Protein change: p.Arg459Pro; replaces arginine 459 with proline.
Molecular consequence: missense variant. On other transcripts: non-coding transcript variant (1), intron variant (1).
Genome position (GRCh38, 1-based): chr9:95,477,674, C>G on the plus strand (G>C on the coding strand, the complement: PTCH1 is on the minus strand). VCF-style: chr9-95477674-C-G. GRCh37 (hg19) VCF-style: chr9-98239956-C-G.
Other names: c.1178G>C, p.Arg393Pro (NM_001083602.3); c.1373G>C, p.Arg458Pro (NM_001083603.3); c.923G>C, p.Arg308Pro (NM_001083604.3, NM_001083605.3, NM_001083606.3 and 1 more transcripts); c.1347+381G>C (NM_001354918.2); short protein forms R308P, R393P, R458P, R459P.
Identifiers: ClinVar variation 3230936 (VCV003230936.1), dbSNP rs140537949, ClinGen allele CA374118627.
Genomic context (GRCh38, chr9:95,477,674, plus strand): 5'-AGTGCAACCAGCAGGACGCCAGCCAGCCCCACGGCACCCTGGGACTTGGAGCAGTCCCAG[C>G]GCAGCATGGTTAGACAGGCATAGGCGAGCTGCAAGCAGAACAATGGGGGCACAGAACAAA-3'
Protein context (NP_000255.2, residues 449-469): MLAYACLTML[Arg459Pro]WDCSKSQGAV